The following is an entry in ClinVar:

NM_004006.3(DMD):c.1310C>A (p.Ala437Asp)

Gene: DMD (dystrophin; minus strand). Cytogenetic location: Xp21.1.
Variant type: single nucleotide variant.
Coding change: c.1310C>A on transcript NM_004006.3 (MANE Select); coding-DNA position 1310, C replaced by A.
Protein change: p.Ala437Asp; replaces alanine 437 with aspartic acid.
Molecular consequence: missense variant.
Genome position (GRCh38, 1-based): chrX:32,644,153, G>T on the plus strand (C>A on the coding strand, the complement: DMD is on the minus strand). VCF-style: chrX-32644153-G-T. GRCh37 (hg19) VCF-style: chrX-32662270-G-T.
Other names: c.1286C>A, p.Ala429Asp (NM_000109.4); c.1298C>A, p.Ala433Asp (NM_004009.3); c.941C>A, p.Ala314Asp (NM_004010.3); c.1310C>A (NM_004006.2); short protein forms A314D, A433D, A429D, A437D.
Identifiers: ClinVar variation 1438333 (VCV001438333.8), dbSNP rs1556875180, ClinGen allele CA412660868.

ClinVar aggregate classification (germline): Conflicting classifications of pathogenicity. Review status: criteria provided, conflicting classifications (1 of 4 stars). 3 submissions from 3 submitters: Uncertain significance (2); Likely benign (1). Last evaluated 2025-09-29.

Conditions:
Duchenne muscular dystrophy (DMD). Also called: Duchenne Muscular Dystrophy (DMD); MUSCULAR DYSTROPHY, PSEUDOHYPERTROPHIC PROGRESSIVE, DUCHENNE TYPE. Identifiers: Orphanet 98896, MedGen C0013264, MONDO:0010679, OMIM 310200.
Cardiovascular phenotype. Identifiers: MedGen CN230736.

Allele frequency attached by ClinVar (database versions not stated): TOPMed below 0.00001.
gnomAD v4.1: 2 of 1,208,249 alleles (0.00017%); highest among the groups gnomAD compares: Non-Finnish European, 0.00022%; no homozygotes.

Submissions (3):

Women's Health and Genetics/Laboratory Corporation of America, LabCorp
Classification: Uncertain significance. Last evaluated: 2025-09-29. Review status: criteria provided, single submitter. Criteria: LabCorp Variant Classification Summary - May 2015. Collection method: clinical testing. Allele origin: germline.

Labcorp Genetics (formerly Invitae), Labcorp
Classification: Uncertain significance for Duchenne muscular dystrophy. Last evaluated: 2025-04-17. Review status: criteria provided, single submitter. Criteria: Invitae Variant Classification Sherloc (09022015). Collection method: clinical testing. Allele origin: germline.
Comment: This sequence change replaces alanine, which is neutral and non-polar, with aspartic acid, which is acidic and polar, at codon 437 of the DMD protein (p.Ala437Asp). This variant is not present in population databases (gnomAD no frequency). This variant has not been reported in the literature in individuals affected with DMD-related conditions. ClinVar contains an entry for this variant (Variation ID: 1438333). Invitae Evidence Modeling of protein sequence and biophysical properties (such as structural, functional, and spatial information, amino acid conservation, physicochemical variation, residue mobility, and thermodynamic stability) indicates that this missense variant is not expected to disrupt DMD protein function with a negative predictive value of 95%. In summary, the available evidence is currently insufficient to determine the role of this variant in disease. Therefore, it has been classified as a Variant of Uncertain Significance.

Ambry Genetics
Classification: Likely benign for Cardiovascular phenotype. Last evaluated: 2024-09-10. Review status: criteria provided, single submitter. Criteria: Ambry Variant Classification Scheme 2023. Collection method: clinical testing. Allele origin: germline.